The following is an entry in ClinVar:

NM_198576.4(AGRN):c.1069_1072del (p.Cys357fs)

Gene: AGRN (agrin; plus strand). Cytogenetic location: 1p36.33.
Variant type: Microsatellite.
Coding change: c.1069_1072del on transcript NM_198576.4 (MANE Select); coding-DNA positions 1069 to 1072, 4 bases deleted (TGTG; older notation c.1069_1072delTGTG).
Protein change: p.Cys357fs; shifts the reading frame from cysteine 357.
Molecular consequence: frameshift variant.
Genome position (GRCh38, 1-based): chr1:1,041,594-1,041,597, TGTG deleted; deleting any 4 consecutive bases within chr1:1,041,591-1,041,597 gives the same sequence; the c. name uses the placement nearest the transcript's 3' end. VCF-style (leftmost placement, unchanged base first): chr1-1041590-AGTGT-A. GRCh37 (hg19) VCF-style: chr1-976970-AGTGT-A.
Other names: c.1069_1072del, p.Cys357fs (NM_001305275.2); c.754_757del, p.Cys252fs (NM_001364727.2); short protein forms C252fs, C357fs.
Identifiers: ClinVar variation 4880726 (VCV004880726.2).
Genomic context (GRCh38, chr1:1,041,590, plus strand): 5'-GCGCACGCGGCGCCCTGAGATGCTCCTACGGCCCGAGAGCTGCCCTGCCCGGCAGGCGCC[AGTGT>A]GTGGGGACGACGGAGTCACCTACGAAAACGACTGTGTCATGGGCCGATCGGGGGCCGCCC-3'

ClinVar aggregate classification (germline): Likely pathogenic (1 of 4 stars; one submission).

Submission:

Dasa
Classification: Likely pathogenic. Last evaluated: 2025-12-30. Review status: criteria provided, single submitter. Criteria: DASA Assertion Criteria. Collection method: clinical testing. Allele origin: germline.
Comment: NM_198576.4(AGRN):c.1069_1072del (p.Cys357Glyfs*124) is a frameshift variant in AGRN predicted to alter the reading frame and introduce a premature termination codon and is predicted to result in an absent or altered protein product. Loss of function is an established disease mechanism for AGRN-associated disorders. Also, this variant is rare in population databases. Based on the currently available evidence, this variant is classified as likely pathogenic.